The following is an entry in ClinVar:

ClinVar aggregate classification (germline): Uncertain significance (1 of 4 stars; one submission).

Submission:

GeneDx
Classification: Uncertain significance. Last evaluated: 2022-01-18. Review status: criteria provided, single submitter. Criteria: GeneDx Variant Classification Process June 2021. Collection method: clinical testing. Allele origin: germline. Affected: yes.
Comment: Not observed at significant frequency in large population cohorts (gnomAD); In silico analysis supports that this missense variant does not alter protein structure/function; Has not been previously published as pathogenic or benign to our knowledge

NM_004999.4(MYO6):c.4G>A (p.Glu2Lys)

Gene: MYO6 (myosin VI; plus strand). Cytogenetic location: 6q14.1.
Variant type: single nucleotide variant.
Coding change: c.4G>A on transcript NM_004999.4 (MANE Select); coding-DNA position 4, G replaced by A.
Protein change: p.Glu2Lys; replaces glutamic acid 2 with lysine.
Molecular consequence: missense variant. On other transcripts: non-coding transcript variant (2).
Genome position (GRCh38, 1-based): chr6:75,817,551, G>A. VCF-style: chr6-75817551-G-A. GRCh37 (hg19) VCF-style: chr6-76527268-G-A.
Other names: c.4G>A, p.Glu2Lys (NM_001300899.2, NM_001368136.1, NM_001368137.1 and 5 more transcripts); short protein forms E2K.
Identifiers: ClinVar variation 1697148 (VCV001697148.2), dbSNP rs2150167197, ClinGen allele CA364761377.